The following is an entry in ClinVar:

NM_014915.3(ANKRD26):c.803T>C (p.Phe268Ser)

Gene: ANKRD26 (ankyrin repeat domain 26; minus strand). Cytogenetic location: 10p12.1.
Variant type: single nucleotide variant.
Coding change: c.803T>C on transcript NM_014915.3 (MANE Select); coding-DNA position 803, T replaced by C.
Protein change: p.Phe268Ser; replaces phenylalanine 268 with serine.
Molecular consequence: missense variant.
Genome position (GRCh38, 1-based): chr10:27,079,099, A>G on the plus strand (T>C on the coding strand, the complement: ANKRD26 is on the minus strand). VCF-style: chr10-27079099-A-G. GRCh37 (hg19) VCF-style: chr10-27368028-A-G.
Other names: c.803T>C, p.Phe268Ser (NM_001256053.2); short protein forms F268S.
Identifiers: ClinVar variation 2720083 (VCV002720083.6), dbSNP rs1324923680, ClinGen allele CA376363184.

ClinVar aggregate classification (germline): Uncertain significance. Review status: criteria provided, multiple submitters, no conflicts (2 of 4 stars). 3 submissions from 3 submitters: Uncertain significance (3). Last evaluated 2025-02-05.

Conditions:
Inborn genetic diseases. Identifiers: MedGen C0950123, MeSH D030342.

Allele frequency attached by ClinVar (database versions not stated): TOPMed below 0.00001; gnomAD 0.00001.
gnomAD v4.1: 1 of 1,613,184 alleles (0.000062%); highest among the groups gnomAD compares: Admixed American, 0.0017%; no homozygotes.

Submissions (3):

Ambry Genetics
Classification: Uncertain significance for Inborn genetic diseases. Last evaluated: 2025-02-05. Review status: criteria provided, single submitter. Criteria: Ambry Variant Classification Scheme 2023. Collection method: clinical testing. Allele origin: germline.
Comment: The p.F268S variant (also known as c.803T>C), located in coding exon 7 of the ANKRD26 gene, results from a T to C substitution at nucleotide position 803. The phenylalanine at codon 268 is replaced by serine, an amino acid with highly dissimilar properties. This amino acid position is conserved. In addition, this alteration is predicted to be tolerated by in silico analysis. Based on the available evidence, the clinical significance of this variant remains unclear.

GeneDx
Classification: Uncertain significance. Last evaluated: 2023-10-19. Review status: criteria provided, single submitter. Criteria: GeneDx Variant Classification Process June 2021. Collection method: clinical testing. Allele origin: germline. Affected: yes.
Comment: Not observed at significant frequency in large population cohorts (gnomAD); In silico analysis supports that this missense variant has a deleterious effect on protein structure/function; Has not been previously published as pathogenic or benign to our knowledge

Labcorp Genetics (formerly Invitae), Labcorp
Classification: Uncertain significance. Last evaluated: 2023-06-14. Review status: criteria provided, single submitter. Criteria: Invitae Variant Classification Sherloc (09022015). Collection method: clinical testing. Allele origin: germline.
Comment: In summary, the available evidence is currently insufficient to determine the role of this variant in disease. Therefore, it has been classified as a Variant of Uncertain Significance. An algorithm developed to predict the effect of missense changes on protein structure and function (PolyPhen-2) suggests that this variant is likely to be tolerated. This variant has not been reported in the literature in individuals affected with ANKRD26-related conditions. This variant is not present in population databases (gnomAD no frequency). This sequence change replaces phenylalanine, which is neutral and non-polar, with serine, which is neutral and polar, at codon 268 of the ANKRD26 protein (p.Phe268Ser).